The following is an entry in ClinVar:

NM_000465.4(BARD1):c.1550G>C (p.Gly517Ala)

Gene: BARD1 (BRCA1 associated RING domain 1; minus strand). Cytogenetic location: 2q35.
Variant type: single nucleotide variant.
Coding change: c.1550G>C on transcript NM_000465.4 (MANE Select); coding-DNA position 1550, G replaced by C.
Protein change: p.Gly517Ala; replaces glycine 517 with alanine.
Molecular consequence: missense variant. On other transcripts: non-coding transcript variant (3), intron variant (3).
Genome position (GRCh38, 1-based): chr2:214,767,500, C>G on the plus strand (G>C on the coding strand, the complement: BARD1 is on the minus strand). VCF-style: chr2-214767500-C-G. GRCh37 (hg19) VCF-style: chr2-215632224-C-G.
Other names: c.1493G>C, p.Gly498Ala (NM_001282543.2); c.159-14945G>C (NM_001282548.2); c.216-14945G>C (NM_001282545.2); c.364+24797G>C (NM_001282549.2); short protein forms G498A, G517A.
Identifiers: ClinVar variation 4196332 (VCV004196332.1).

ClinVar aggregate classification (germline): Uncertain significance (1 of 4 stars; one submission).

Conditions:
Hereditary cancer-predisposing syndrome. Also called: Neoplastic Syndromes, Hereditary; Tumor predisposition; Hereditary Cancer Syndrome; Hereditary neoplastic syndrome. Identifiers: Orphanet 140162, MedGen C0027672, MeSH D009386, MONDO:0015356.

Submission:

Ambry Genetics
Classification: Uncertain significance for Hereditary cancer-predisposing syndrome. Last evaluated: 2025-08-20. Review status: criteria provided, single submitter. Criteria: Ambry Variant Classification Scheme 2023. Collection method: clinical testing. Allele origin: germline.
Comment: The p.G517A variant (also known as c.1550G>C), located in coding exon 6 of the BARD1 gene, results from a G to C substitution at nucleotide position 1550. The glycine at codon 517 is replaced by alanine, an amino acid with similar properties. This amino acid position is conserved. In addition, this alteration is predicted to be deleterious by in silico analysis. Based on the available evidence, the clinical significance of this variant remains unclear.